The following is an entry in ClinVar:

ClinVar aggregate classification (germline): Uncertain significance (1 of 4 stars; one submission).

Submission:

Labcorp Genetics (formerly Invitae), Labcorp
Classification: Uncertain significance. Last evaluated: 2025-07-24. Review status: criteria provided, single submitter. Criteria: Invitae Variant Classification Sherloc (09022015). Collection method: clinical testing. Allele origin: germline.
Comment: This sequence change replaces histidine, which is basic and polar, with tyrosine, which is neutral and polar, at codon 918 of the REST protein (p.His918Tyr). This variant is not present in population databases (gnomAD no frequency). This missense change has been observed in individual(s) with Wilms tumor (PMID: 26551668). An algorithm developed to predict the effect of missense changes on protein structure and function (PolyPhen-2) suggests that this variant is likely to be tolerated. Experimental studies have shown that this missense change does not substantially affect REST function (PMID: 26551668). In summary, the available evidence is currently insufficient to determine the role of this variant in disease. Therefore, it has been classified as a Variant of Uncertain Significance.

Literature cited by the submitters: PubMed 26551668.

NM_005612.5(REST):c.2752C>T (p.His918Tyr)

Gene: REST (RE1 silencing transcription factor; plus strand). Cytogenetic location: 4q12.
Variant type: single nucleotide variant.
Coding change: c.2752C>T on transcript NM_005612.5 (MANE Select); coding-DNA position 2752, C replaced by T.
Protein change: p.His918Tyr; replaces histidine 918 with tyrosine.
Molecular consequence: missense variant.
Genome position (GRCh38, 1-based): chr4:56,931,610, C>T. VCF-style: chr4-56931610-C-T. GRCh37 (hg19) VCF-style: chr4-57797776-C-T.
Other names: c.2752C>T, p.His918Tyr (NM_001193508.2, NM_001363453.3); c.2668C>T, p.His890Tyr (NM_001440532.1, NM_001440533.1); short protein forms H918Y, H890Y.
Identifiers: ClinVar variation 4748639 (VCV004748639.1).
Genomic context (GRCh38, chr4:56,931,610, plus strand): 5'-GGAGCAGAAGAGGCAGATGAGAGCCTACCTGGTCTTGCTGCTAATATCAACGAATCTACC[C>T]ATATTTCATCCTCTGGACAAAACTTGAATACGCCAGAGGGTGAAACTTTAAATGGTAAAC-3'
Protein context (NP_005603.3, residues 908-928): GLAANINEST[His918Tyr]ISSSGQNLNT